The following is an entry in ClinVar:

ClinVar aggregate classification (germline): Uncertain significance (1 of 4 stars; one submission).

Conditions:
FG syndrome (FGS). Identifiers: MedGen C0220769, MONDO:0002010.

Submission:

Labcorp Genetics (formerly Invitae), Labcorp
Classification: Uncertain significance for FG syndrome. Last evaluated: 2023-06-14. Review status: criteria provided, single submitter. Criteria: Invitae Variant Classification Sherloc (09022015). Collection method: clinical testing. Allele origin: germline.
Comment: In summary, the available evidence is currently insufficient to determine the role of this variant in disease. Therefore, it has been classified as a Variant of Uncertain Significance. Advanced modeling of protein sequence and biophysical properties (such as structural, functional, and spatial information, amino acid conservation, physicochemical variation, residue mobility, and thermodynamic stability) has been performed at Invitae for this missense variant, however the output from this modeling did not meet the statistical confidence thresholds required to predict the impact of this variant on MED12 protein function. This variant has not been reported in the literature in individuals affected with MED12-related conditions. This variant is not present in population databases (gnomAD no frequency). This sequence change replaces proline, which is neutral and non-polar, with arginine, which is basic and polar, at codon 2129 of the MED12 protein (p.Pro2129Arg).

NM_005120.3(MED12):c.6386C>G (p.Pro2129Arg)

Gene: MED12 (mediator complex subunit 12; plus strand). Cytogenetic location: Xq13.1.
Variant type: single nucleotide variant.
Coding change: c.6386C>G on transcript NM_005120.3 (MANE Select); coding-DNA position 6386, C replaced by G.
Protein change: p.Pro2129Arg; replaces proline 2129 with arginine.
Molecular consequence: missense variant.
Genome position (GRCh38, 1-based): chrX:71,141,348, C>G. VCF-style: chrX-71141348-C-G. GRCh37 (hg19) VCF-style: chrX-70361198-C-G.
Other names: short protein forms P2129R.
Identifiers: ClinVar variation 2788451 (VCV002788451.3), dbSNP rs2519723337, ClinGen allele CA413542456.